The following is an entry in ClinVar:

ClinVar aggregate classification (germline): Uncertain significance (1 of 4 stars; one submission).

Submission:

Ambry Genetics
Classification: Uncertain significance. Last evaluated: 2025-06-16. Review status: criteria provided, single submitter. Criteria: Ambry Variant Classification Scheme 2023. Collection method: clinical testing. Allele origin: germline.
Comment: The p.L9P variant (also known as c.26T>C), located in coding exon 1 of the RNF43 gene, results from a T to C substitution at nucleotide position 26. The leucine at codon 9 is replaced by proline, an amino acid with similar properties. This amino acid position is conserved. In addition, the in silico prediction for this alteration is inconclusive. Based on the available evidence, the clinical significance of this variant remains unclear.

NM_017763.6(RNF43):c.26T>C (p.Leu9Pro)

Gene: RNF43 (ring finger protein 43; minus strand). Cytogenetic location: 17q22.
Variant type: single nucleotide variant.
Coding change: c.26T>C on transcript NM_017763.6 (MANE Select); coding-DNA position 26, T replaced by C.
Protein change: p.Leu9Pro; replaces leucine 9 with proline.
Molecular consequence: missense variant. On other transcripts: intron variant (1).
Genome position (GRCh38, 1-based): chr17:58,415,552, A>G on the plus strand (T>C on the coding strand, the complement: RNF43 is on the minus strand). VCF-style: chr17-58415552-A-G. GRCh37 (hg19) VCF-style: chr17-56492913-A-G.
Other names: c.26T>C, p.Leu9Pro (NM_001305544.3, NM_001438820.1, NM_001438821.1 and 1 more transcripts); c.-130+1465T>C (NM_001437987.1); short protein forms L9P.
Identifiers: ClinVar variation 4155720 (VCV004155720.1).